The following is an entry in ClinVar:

ClinVar aggregate classification (germline): Conflicting classifications of pathogenicity. Review status: criteria provided, conflicting classifications (1 of 4 stars). 7 submissions from 7 submitters: Uncertain significance (5); Likely benign (1). 1 of the submissions does not count toward it. Last evaluated 2026-01-25.

Conditions:
Primary ciliary dyskinesia. Also called: Ciliary dyskinesia. Identifiers: Orphanet 244, MedGen C0008780, MONDO:0016575, HP:0012265.
Primary ciliary dyskinesia 3. Identifiers: Orphanet 244, MedGen C1837618, MONDO:0012085, OMIM 608644.

Allele frequency attached by ClinVar (database versions not stated): ExAC 0.00013; gnomAD exomes 0.00016; 1000 Genomes Project 0.00020; gnomAD 0.00022 and 0.00024; ESP Exome Variant Server 0.00023; TOPMed 0.00027; 1000 Genomes Project 30x 0.00031.
gnomAD v4.1: 378 of 1,614,118 alleles (0.023%); highest among the groups gnomAD compares: Admixed American, 0.043%; no homozygotes.

Submissions (7):

Labcorp Genetics (formerly Invitae), Labcorp
Classification: Likely benign for Primary ciliary dyskinesia. Last evaluated: 2026-01-25. Review status: criteria provided, single submitter. Criteria: Invitae Variant Classification Sherloc (09022015). Collection method: clinical testing. Allele origin: germline.

Mayo Clinic Laboratories, Mayo Clinic
Classification: Uncertain significance. Last evaluated: 2025-12-10. Review status: criteria provided, single submitter. Criteria: ACMG Guidelines, 2015. Collection method: clinical testing. Allele origin: germline. Observed: 1 variant allele.
Comment: PM2_supporting

Ambry Genetics
Classification: Uncertain significance for Primary ciliary dyskinesia. Last evaluated: 2025-02-20. Review status: criteria provided, single submitter. Criteria: Ambry Variant Classification Scheme 2023. Collection method: clinical testing. Allele origin: germline.
Comment: The p.K2244M variant (also known as c.6731A>T), located in coding exon 41 of the DNAH5 gene, results from an A to T substitution at nucleotide position 6731. The lysine at codon 2244 is replaced by methionine, an amino acid with similar properties. This amino acid position is highly conserved in available vertebrate species. In addition, the in silico prediction for this alteration is inconclusive. Since supporting evidence is limited at this time, the clinical significance of this alteration remains unclear.

Blueprint Genetics
Classification: Uncertain significance. Last evaluated: 2024-10-02. Review status: criteria provided, single submitter. Criteria: ACMG Guidelines, 2015. Collection method: clinical testing. Allele origin: germline.

Fulgent Genetics
Classification: Uncertain significance for Primary ciliary dyskinesia 3. Last evaluated: 2022-05-19. Review status: criteria provided, single submitter. Criteria: ACMG Guidelines, 2015. Collection method: clinical testing. Allele origin: unknown.

Laboratory for Molecular Medicine, Mass General Brigham Personalized Medicine
Classification: Uncertain significance. Last evaluated: 2014-11-05. Review status: criteria provided, single submitter. Criteria: LMM Criteria. Collection method: clinical testing. Allele origin: germline. Observed: 1 variant allele.
Comment: The p.Lys2244Met variant in DNAH5 has not been previously reported in individual s with pulmonary diseases, but has been identified in 3/8600 European American c hromosomes by the NHLBI Exome Sequencing Project (VS/; dbSNP rs187023993). Computational prediction tools and conservation analysi s suggest that this variant may impact the protein, though this information is n ot predictive enough to determine pathogenicity. In summary, the clinical signif icance of the p.Lys2244Met variant is uncertain.

Natera, Inc.
Classification: Uncertain significance for Primary ciliary dyskinesia. Last evaluated: 2020-04-18. Review status: no assertion criteria provided. Collection method: clinical testing. Allele origin: germline. Not counted in ClinVar's aggregate classification.

NM_001369.3(DNAH5):c.6731A>T (p.Lys2244Met)

Gene: DNAH5 (dynein axonemal heavy chain 5; minus strand). Cytogenetic location: 5p15.2.
Variant type: single nucleotide variant.
Coding change: c.6731A>T on transcript NM_001369.3 (MANE Select); coding-DNA position 6731, A replaced by T.
Protein change: p.Lys2244Met; replaces lysine 2244 with methionine.
Molecular consequence: missense variant.
Genome position (GRCh38, 1-based): chr5:13,820,456, T>A on the plus strand (A>T on the coding strand, the complement: DNAH5 is on the minus strand). VCF-style: chr5-13820456-T-A. GRCh37 (hg19) VCF-style: chr5-13820565-T-A.
Other names: short protein forms K2244M.
Identifiers: ClinVar variation 178748 (VCV000178748.16), dbSNP rs187023993, ClinGen allele CA182931.